The following is an entry in ClinVar:

ClinVar aggregate classification (germline): Benign/Likely benign. Review status: criteria provided, multiple submitters, no conflicts (2 of 4 stars). 8 submissions from 8 submitters: Benign (1); Likely benign (4). 3 of the submissions do not count toward it. Last evaluated 2026-05-01.

Conditions:
Early-infantile DEE. Also called: Early infantile epileptic encephalopathy with suppression bursts; Early infantile epileptic encephalopathy; Ohtahara syndrome. Identifiers: Orphanet 1934, MedGen C0393706, MONDO:0800491.
Inborn genetic diseases. Identifiers: MedGen C0950123, MeSH D030342.
Intellectual disability. Also called: Intellectual functioning disability; intellectual disabilities; Intellectual developmental disorder. Identifiers: MedGen C3714756, MeSH D008607, MONDO:0001071, HP:0001249.

Submissions (8):

CeGaT Center for Human Genetics Tuebingen
Classification: Likely benign. Last evaluated: 2026-05-01. Review status: criteria provided, single submitter. Criteria: CeGaT Center For Human Genetics Tuebingen Variant Classification Criteria Version 2. Collection method: clinical testing. Allele origin: germline. Affected: yes. Observed: 1 variant allele.
Comment: HCN1: BS2

Labcorp Genetics (formerly Invitae), Labcorp
Classification: Likely benign for Early-infantile DEE. Last evaluated: 2026-01-12. Review status: criteria provided, single submitter. Criteria: Invitae Variant Classification Sherloc (09022015). Collection method: clinical testing. Allele origin: germline.

Laboratory of Genetics, Children's Clinical University Hospital Latvia
Classification: Likely benign. Last evaluated: 2025-02-16. Review status: criteria provided, single submitter. Criteria: ACMG Guidelines, 2015. Collection method: clinical testing. Allele origin: germline. Affected: yes.

Blueprint Genetics
Classification: Likely benign. Last evaluated: 2024-11-26. Review status: criteria provided, single submitter. Criteria: ACMG Guidelines, 2015. Collection method: clinical testing. Allele origin: germline.

Ambry Genetics
Classification: Benign for Inborn genetic diseases. Last evaluated: 2022-06-14. Review status: criteria provided, single submitter. Criteria: Ambry Variant Classification Scheme 2023. Collection method: clinical testing. Allele origin: germline.

Centre de Biologie Pathologie Génétique, Centre Hospitalier Universitaire de Lille
Classification: Likely benign for Intellectual disability. Last evaluated: 2019-01-01. Review status: no assertion criteria provided. Collection method: clinical testing. Allele origin: inherited. Affected: yes. Not counted in ClinVar's aggregate classification.

Diagnostic Laboratory, Department of Genetics, University Medical Center Groningen
Classification: Likely benign. Review status: no assertion criteria provided. Collection method: clinical testing. Allele origin: germline. Affected: yes. Study: VKGL Data-share Consensus. Not counted in ClinVar's aggregate classification.

Genome Diagnostics Laboratory, University Medical Center Utrecht
Classification: Benign. Review status: no assertion criteria provided. Collection method: clinical testing. Allele origin: germline. Affected: yes. Study: VKGL Data-share Consensus. Not counted in ClinVar's aggregate classification.

NM_021072.4(HCN1):c.192TGGCGGCGG[3] (p.Gly72_Gly74dup)

Gene: HCN1 (hyperpolarization activated cyclic nucleotide gated potassium channel 1; minus strand). Cytogenetic location: 5p12.
Variant type: Microsatellite.
Coding change: c.192TGGCGGCGG[3] on transcript NM_021072.4 (MANE Select); three copies in a row of the 9-base unit TGGCGGCGG starting at c.192; the reference has two copies in a row; one copy, 9 bases duplicated; also written c.201_209dup.
Protein change: p.Gly72_Gly74dup.
Molecular consequence: inframe insertion.
Genome position (GRCh38, 1-based): chr5:45,695,885-45,695,893, CCGCCGCCA duplicated on the plus strand (TGGCGGCGG on the coding strand, the reverse complement: HCN1 is on the minus strand); duplicating any 9 consecutive bases within chr5:45,695,885-45,695,908 gives the same sequence; the position shown is the placement nearest the transcript's 3' end. VCF-style (leftmost placement, unchanged base first): chr5-45695884-G-GCCGCCGCCA. GRCh37 (hg19) VCF-style: chr5-45695986-G-GCCGCCGCCA.
Other names: c.201_209dup (NM_021072.3).
Identifiers: ClinVar variation 412768 (VCV000412768.21), dbSNP rs56064803, ClinGen allele CA3259506.